The following is an entry in ClinVar:

ClinVar aggregate classification (germline): Uncertain significance (1 of 4 stars; one submission).

Conditions:
Spermatogenic failure 18. Identifiers: MedGen C4539783, MONDO:0054615, OMIM 617576.
Ciliary dyskinesia, primary, 37 (CILD37). Also called: CILIARY DYSKINESIA, PRIMARY, 37, WITH OR WITHOUT SITUS INVERSUS. Identifiers: MedGen C4539798, MONDO:0033204, OMIM 617577.

Allele frequency attached by ClinVar (database versions not stated): gnomAD 0.00003; gnomAD exomes 0.00003 and 0.00005; ExAC 0.00004; TOPMed 0.00006.
gnomAD v4.1: 23 of 1,610,204 alleles (0.0014%); highest among the groups gnomAD compares: Admixed American, 0.037%; no homozygotes.

Submission:

Labcorp Genetics (formerly Invitae), Labcorp
Classification: Uncertain significance for Ciliary dyskinesia, primary, 37; Spermatogenic failure 18. Last evaluated: 2022-09-27. Review status: criteria provided, single submitter. Criteria: Invitae Variant Classification Sherloc (09022015). Collection method: clinical testing. Allele origin: germline.
Comment: This sequence change replaces histidine, which is basic and polar, with asparagine, which is neutral and polar, at codon 695 of the DNAH1 protein (p.His695Asn). This variant is present in population databases (rs751919243, gnomAD 0.05%). This variant has not been reported in the literature in individuals affected with DNAH1-related conditions. ClinVar contains an entry for this variant (Variation ID: 1514335). Advanced modeling of protein sequence and biophysical properties (such as structural, functional, and spatial information, amino acid conservation, physicochemical variation, residue mobility, and thermodynamic stability) performed at Invitae indicates that this missense variant is expected to disrupt DNAH1 protein function. In summary, the available evidence is currently insufficient to determine the role of this variant in disease. Therefore, it has been classified as a Variant of Uncertain Significance.

NM_015512.5(DNAH1):c.2083C>A (p.His695Asn)

Gene: DNAH1 (dynein axonemal heavy chain 1; plus strand). Cytogenetic location: 3p21.1.
Variant type: single nucleotide variant.
Coding change: c.2083C>A on transcript NM_015512.5 (MANE Select); coding-DNA position 2083, C replaced by A.
Protein change: p.His695Asn; replaces histidine 695 with asparagine.
Molecular consequence: missense variant.
Genome position (GRCh38, 1-based): chr3:52,347,951, C>A. VCF-style: chr3-52347951-C-A. GRCh37 (hg19) VCF-style: chr3-52381967-C-A.
Other names: short protein forms H695N.
Identifiers: ClinVar variation 1514335 (VCV001514335.3), dbSNP rs751919243, ClinGen allele CA2433135.
Genomic context (GRCh38, chr3:52,347,951, plus strand): 5'-CCACTGGAGCAGTTTGAGGCATCTCTGCTGAACCTCTTCGACAAGGGCATCCTGGCCACC[C>A]ATGCCGTGCCCCAGCTGGAGAAGGTACGTGCTGCAGCCTGAGCAGGCCCCAGGCACCTGC-3'
Protein context (NP_056327.4, residues 685-705): NLFDKGILAT[His695Asn]AVPQLEKLVM